The following is an entry in ClinVar:

NM_012123.4(MTO1):c.2007G>A (p.Ser669=)

Gene: MTO1 (mitochondrial tRNA translation optimization 1; plus strand). Cytogenetic location: 6q13.
Variant type: single nucleotide variant.
Coding change: c.2007G>A on transcript NM_012123.4 (MANE Select); coding-DNA position 2007, G replaced by A.
Protein change: p.Ser669=; no amino-acid change (serine 669 retained).
Molecular consequence: synonymous variant.
Genome position (GRCh38, 1-based): chr6:73,500,663, G>A. VCF-style: chr6-73500663-G-A. GRCh37 (hg19) VCF-style: chr6-74210386-G-A.
Other names: c.2007G>A (NM_012123.3); c.2127G>A, p.Ser709= (NM_001123226.2); c.2082G>A, p.Ser694= (NM_133645.3).
Identifiers: ClinVar variation 1142235 (VCV001142235.10), dbSNP rs760282169, ClinGen allele CA3889808.

ClinVar aggregate classification (germline): Likely benign. Review status: criteria provided, multiple submitters, no conflicts (2 of 4 stars). 2 submissions from 2 submitters: Likely benign (2). Last evaluated 2025-08-05.

Conditions:
Mitochondrial hypertrophic cardiomyopathy with lactic acidosis due to MTO1 deficiency. Also called: Combined oxidative phosphorylation deficiency 10; CARDIOMYOPATHY, INFANTILE HYPERTROPHIC MITOCHONDRIAL, AND LACTIC ACIDOSIS. Identifiers: Orphanet 314637, MedGen C4749921, MONDO:0013865, OMIM 614702.
MTO1-related disorder. Also called: MTO1-related condition.

Allele frequency attached by ClinVar (database versions not stated): gnomAD 0.00001; gnomAD exomes 0.00001 and 0.00004; TOPMed 0.00003; ExAC 0.00004.
gnomAD v4.1: 17 of 1,613,708 alleles (0.0011%); highest among the groups gnomAD compares: East Asian, 0.0067%; no homozygotes.

Submissions (2):

PreventionGenetics, part of Exact Sciences
Classification: Likely benign for MTO1-related condition. Last evaluated: 2025-08-05. Review status: criteria provided, single submitter. Criteria: ACMG Guidelines, 2015. Collection method: clinical testing. Allele origin: germline.
Comment: This variant is classified as likely benign based on ACMG/AMP sequence variant interpretation guidelines (Richards et al. 2015 PMID: 25741868, with internal and published modifications).

Labcorp Genetics (formerly Invitae), Labcorp
Classification: Likely benign for Mitochondrial hypertrophic cardiomyopathy with lactic acidosis due to MTO1 deficiency. Last evaluated: 2025-04-01. Review status: criteria provided, single submitter. Criteria: Invitae Variant Classification Sherloc (09022015). Collection method: clinical testing. Allele origin: germline.